The following is an entry in ClinVar:

NM_001082486.2(ACD):c.749del (p.Glu250fs)

Gene: ACD (ACD shelterin complex subunit and telomerase recruitment factor; minus strand). Cytogenetic location: 16q22.1.
Variant type: Deletion.
Coding change: c.749del on transcript NM_001082486.2 (MANE Select); coding-DNA position 749, one base deleted (A; older notation c.749delA).
Protein change: p.Glu250fs; shifts the reading frame from glutamic acid 250.
Molecular consequence: frameshift variant.
Genome position (GRCh38, 1-based): chr16:67,658,635, T deleted on the plus strand (A on the coding strand, the reverse complement: ACD is on the minus strand). VCF-style (leftmost placement, unchanged base first): chr16-67658634-CT-C. GRCh37 (hg19) VCF-style: chr16-67692537-CT-C.
Other names: c.740del, p.Glu247fs (NM_022914.3); short protein forms E247fs, E250fs.
Identifiers: ClinVar variation 1338612 (VCV001338612.4), dbSNP rs2142969929, ClinGen allele CA2573054259.
Genomic context (GRCh38, chr16:67,658,634, plus strand): 5'-AGGAGGAGAGGCTATGAGGGTCAGAGATAGGTCCTGCAGAGCCGGGTCTGGTGGGGGCAG[CT>C]CAGGGCCTGGGGGGTTCAGGAAGTCTTATCAGCACTGTGGACCTGGGCCCCAGGTATCCC-3'

ClinVar aggregate classification (germline): Uncertain significance (1 of 4 stars; one submission).

Submission:

Genetic Services Laboratory, University of Chicago
Classification: Uncertain significance. Last evaluated: 2020-11-24. Review status: criteria provided, single submitter. Criteria: ACMG Guidelines, 2015. Collection method: clinical testing. Allele origin: germline. Affected: no.
Comment: DNA sequence analysis of the ACD gene demonstrated a single base pair deletion in exon 9, c.749del, which is expected to result in an amino acid frameshift and creation of a premature stop codon 13 amino acids downstream of the change, p.Glu250Glyfs*14. This sequence change does not appear to have been previously described in patients with ACD-related disorders and has also not been described in population databases (gnomAD, ExAC). The majority of pathogenic variants previously described in the ACD gene have been missense sequence changes. Due to the limited information on truncating variants in this gene in affected individuals, its contribution to this patient's disease phenotype cannot definitively be determined.